The following is an entry in ClinVar:

ClinVar aggregate classification (germline): Uncertain significance (1 of 4 stars; one submission).

Conditions:
Multiple endocrine neoplasia, type 2 (MEN2). Identifiers: Orphanet 653, MedGen C4048306, MONDO:0019003. Disease mechanism: gain of function.

Allele frequency attached by ClinVar (database versions not stated): gnomAD exomes below 0.00001 and 0.00001; TOPMed below 0.00001.
gnomAD v4.1: 3 of 1,614,116 alleles (0.00019%); highest among the groups gnomAD compares: African/African-American, 0.0027%; no homozygotes.

Submission:

Labcorp Genetics (formerly Invitae), Labcorp
Classification: Uncertain significance for Multiple endocrine neoplasia, type 2. Last evaluated: 2021-08-31. Review status: criteria provided, single submitter. Criteria: Invitae Variant Classification Sherloc (09022015). Collection method: clinical testing. Allele origin: germline.
Comment: This sequence change replaces arginine with lysine at codon 205 of the RET protein (p.Arg205Lys). The arginine residue is weakly conserved and there is a small physicochemical difference between arginine and lysine. This variant is not present in population databases (ExAC no frequency). This variant has not been reported in the literature in individuals affected with RET-related conditions. Algorithms developed to predict the effect of missense changes on protein structure and function output the following: SIFT: "Tolerated"; PolyPhen-2: "Benign"; Align-GVGD: "Class C0". The lysine amino acid residue is found in multiple mammalian species, which suggests that this missense change does not adversely affect protein function. In summary, the available evidence is currently insufficient to determine the role of this variant in disease. Therefore, it has been classified as a Variant of Uncertain Significance.

NM_020975.6(RET):c.614G>A (p.Arg205Lys)

Gene: RET (ret proto-oncogene; plus strand). Cytogenetic location: 10q11.21.
Variant type: single nucleotide variant.
Coding change: c.614G>A on transcript NM_020975.6 (MANE Select); coding-DNA position 614, G replaced by A.
Protein change: p.Arg205Lys; replaces arginine 205 with lysine.
Molecular consequence: missense variant.
Genome position (GRCh38, 1-based): chr10:43,102,618, G>A. VCF-style: chr10-43102618-G-A. GRCh37 (hg19) VCF-style: chr10-43598066-G-A.
Other names: c.614G>A, p.Arg205Lys (NM_000323.2, NM_001406743.1, NM_001406744.1 and 16 more transcripts); c.485G>A, p.Arg162Lys (NM_001406761.1, NM_001406762.1, NM_001406764.1 and 4 more transcripts); short protein forms R205K, R162K.
Identifiers: ClinVar variation 966929 (VCV000966929.8), dbSNP rs1177806121, ClinGen allele CA376543675.